The following is an entry in ClinVar:

NM_014762.4(DHCR24):c.*462G>A

Gene: DHCR24 (24-dehydrocholesterol reductase; minus strand). Cytogenetic location: 1p32.3.
Variant type: single nucleotide variant.
Coding change: c.*462G>A on transcript NM_014762.4 (MANE Select); 462 bases downstream of the stop codon, G replaced by A.
Molecular consequence: 3 prime UTR variant.
Genome position (GRCh38, 1-based): chr1:54,851,771, C>T on the plus strand (G>A on the coding strand, the complement: DHCR24 is on the minus strand). VCF-style: chr1-54851771-C-T. GRCh37 (hg19) VCF-style: chr1-55317444-C-T.
Identifiers: ClinVar variation 297641 (VCV000297641.5), dbSNP rs648804, ClinGen allele CA10611394.

ClinVar aggregate classification (germline): Benign (1 of 4 stars; one submission).

Conditions:
Desmosterolosis. Identifiers: Orphanet 35107, MedGen C1865596, MONDO:0011217, OMIM 602398.

Allele frequency attached by ClinVar (database versions not stated): gnomAD exomes 0.00252; gnomAD 0.02969 and 0.03193; 1000 Genomes Project 0.03255; TOPMed 0.03440; 1000 Genomes Project 30x 0.03451.
gnomAD v4.1: 4,524 of 171,368 alleles (2.6%); highest among the groups gnomAD compares: African/African-American, 10%; 235 homozygotes.

Submission:

Illumina Laboratory Services, Illumina
Classification: Benign for Desmosterolosis. Last evaluated: 2018-01-13. Review status: criteria provided, single submitter. Criteria: ICSL Variant Classification Criteria 13 December 2019. Collection method: clinical testing. Allele origin: germline.
Comment: This variant was observed in the ICSL laboratory as part of a predisposition screen in an ostensibly healthy population. It had not been previously curated by ICSL or reported in the Human Gene Mutation Database (HGMD: prior to June 1st, 2018), and was therefore a candidate for classification through an automated scoring system. Utilizing variant allele frequency, disease prevalence and penetrance estimates, and inheritance mode, an automated score was calculated to assess if this variant is too frequent to cause the disease. Based on the score and internal cut-off values, a variant classified as benign is not then subjected to further curation. The score for this variant resulted in a classification of benign for this disease.